The following is an entry in ClinVar:

ClinVar aggregate classification (germline): Conflicting classifications of pathogenicity. Review status: criteria provided, conflicting classifications (1 of 4 stars). 2 submissions from 2 submitters: Uncertain significance (1); Benign (1). Last evaluated 2025-10-09.

Conditions:
Cardiovascular phenotype. Identifiers: MedGen CN230736.
Familial hypercholesterolemia. Also called: Familial hypercholesterolaemia. Identifiers: MedGen C0020445, MONDO:0005439.

Allele frequency attached by ClinVar (database versions not stated): gnomAD exomes 0.00001 and 0.00003; TOPMed 0.00003; ExAC 0.00001; gnomAD 0.00001.
gnomAD v4.1: 43 of 1,614,108 alleles (0.0027%); highest among the groups gnomAD compares: Non-Finnish European, 0.0036%; no homozygotes.

Submissions (2):

Ambry Genetics
Classification: Uncertain significance for Cardiovascular phenotype. Last evaluated: 2025-10-09. Review status: criteria provided, single submitter. Criteria: Ambry Variant Classification Scheme 2023. Collection method: clinical testing. Allele origin: germline.
Comment: The p.V114A variant (also known as c.341T>C), located in coding exon 2 of the PCSK9 gene, results from a T to C substitution at nucleotide position 341. The valine at codon 114 is replaced by alanine, an amino acid with similar properties. This variant has been detected in an individual from a hypocholesterolemic cohort and in two individuals whose mean total cholesterol and LDL cholesterol levels were not lower than non-carriers (Fasano T et al. Arterioscler Thromb Vasc Biol, 2007 Mar;27:677-81; Lacaze P et al. Open Heart, 2021 Jul;8). This variant was reported to co-occur in cis with another PCSK9 variant (p.R104C) in a proband with hypobetalipoproteinemia, very low LDL cholesterol, and undetectable circulating plasma PCSK9. Two relatives with both variants were less severely affected but also had hypocholesterolemia and reduced circulating PCSK9 (Cariou B et al. Arterioscler Thromb Vasc Biol, 2009 Dec;29:2191-7). Functional studies of both variants together suggested impact to protein function consistent with dominant negative or loss of function, but results for the individual variants were less significant (Cariou B et al. Arterioscler Thromb Vasc Biol, 2009 Dec;29:2191-7; Si-Tayeb K et al. Dis Model Mech, 2016 Jan;9:81-9; Roudaut M et al. Stem Cell Reports, 2021 Dec;16:2958-2972). This amino acid position is not well conserved in available vertebrate species. In addition, this alteration is predicted to be tolerated by in silico analysis. Since supporting evidence is limited at this time, the clinical significance of this alteration remains unclear.

Color Diagnostics, LLC DBA Color Health
Classification: Benign for Familial hypercholesterolemias. Last evaluated: 2018-04-13. Review status: criteria provided, single submitter. Criteria: ACMG Guidelines, 2015. Collection method: clinical testing. Allele origin: germline.

Literature cited by the submitters: PubMed 17170371 (cited by Ambry Genetics); PubMed 19762784 (cited by Ambry Genetics); PubMed 23298392 (cited by Ambry Genetics); PubMed 26586530 (cited by Ambry Genetics); PubMed 34341098 (cited by Ambry Genetics); PubMed 34739847 (cited by Ambry Genetics).

NM_174936.4(PCSK9):c.341T>C (p.Val114Ala)

Gene: PCSK9 (proprotein convertase subtilisin/kexin type 9; plus strand). Cytogenetic location: 1p32.3.
Variant type: single nucleotide variant.
Coding change: c.341T>C on transcript NM_174936.4 (MANE Select); coding-DNA position 341, T replaced by C.
Protein change: p.Val114Ala; replaces valine 114 with alanine.
Molecular consequence: missense variant.
Genome position (GRCh38, 1-based): chr1:55,043,976, T>C. VCF-style: chr1-55043976-T-C. GRCh37 (hg19) VCF-style: chr1-55509649-T-C.
Other names: short protein forms V114A.
Identifiers: ClinVar variation 630143 (VCV000630143.6), dbSNP rs775988212, ClinGen allele CA041533.